The following is an entry in ClinVar:

NM_004036.5(ADCY3):c.956+7C>T

Gene: ADCY3 (adenylate cyclase 3; minus strand). Cytogenetic location: 2p23.3.
Variant type: single nucleotide variant.
Coding change: c.956+7C>T on transcript NM_004036.5 (MANE Select); 7 bases into the intron after coding-DNA position 956, C replaced by T.
Molecular consequence: intron variant.
Genome position (GRCh38, 1-based): chr2:24,842,247, G>A on the plus strand (C>T on the coding strand, the complement: ADCY3 is on the minus strand). VCF-style: chr2-24842247-G-A. GRCh37 (hg19) VCF-style: chr2-25065116-G-A.
Other names: c.956+7C>T (NM_001377130.1, NM_001377129.1, NM_001320613.2 and 2 more transcripts); c.233+7C>T (NM_001377131.1).
Identifiers: ClinVar variation 3033524 (VCV003033524.4), dbSNP rs181574818, ClinGen allele CA1554354.

ClinVar aggregate classification (germline): Likely benign. Review status: criteria provided, single submitter (1 of 4 stars). 2 submissions from 2 submitters: Likely benign (1). 1 of the submissions does not count toward it. Last evaluated 2025-08-21.

Conditions:
ADCY3-related disorder. Also called: ADCY3-related condition.

Allele frequency attached by ClinVar (database versions not stated): 1000 Genomes Project 0.00040; ExAC 0.00022; ESP Exome Variant Server 0.00008; gnomAD 0.00015; TOPMed 0.00025; 1000 Genomes Project 30x 0.00031.
gnomAD v4.1: 257 of 1,613,942 alleles (0.016%); highest among the groups gnomAD compares: Middle Eastern, 0.18%; 1 homozygote.

Submissions (2):

Labcorp Genetics (formerly Invitae), Labcorp
Classification: Likely benign. Last evaluated: 2025-08-21. Review status: criteria provided, single submitter. Criteria: Invitae Variant Classification Sherloc (09022015). Collection method: clinical testing. Allele origin: germline.

PreventionGenetics, part of Exact Sciences
Classification: Likely benign for ADCY3-related condition. Last evaluated: 2022-12-15. Review status: no assertion criteria provided. Collection method: clinical testing. Allele origin: germline. Not counted in ClinVar's aggregate classification.
Comment: This variant is classified as likely benign based on ACMG/AMP sequence variant interpretation guidelines (Richards et al. 2015 PMID: 25741868, with internal and published modifications).